The following is an entry in ClinVar:

NM_015915.5(ATL1):c.565C>G (p.His189Asp)

Gene: ATL1 (atlastin GTPase 1; plus strand). Cytogenetic location: 14q22.1.
Variant type: single nucleotide variant.
Coding change: c.565C>G on transcript NM_015915.5 (MANE Select); coding-DNA position 565, C replaced by G.
Protein change: p.His189Asp; replaces histidine 189 with aspartic acid.
Molecular consequence: missense variant.
Genome position (GRCh38, 1-based): chr14:50,593,888, C>G. VCF-style: chr14-50593888-C-G. GRCh37 (hg19) VCF-style: chr14-51060606-C-G.
Other names: c.565C>G, p.His189Asp (NM_001127713.1, NM_181598.4); short protein forms H189D.
Identifiers: ClinVar variation 1072586 (VCV001072586.9), dbSNP rs2140208127, ClinGen allele CA389668239.

ClinVar aggregate classification (germline): Pathogenic (1 of 4 stars; one submission).

Conditions:
Hereditary spastic paraplegia 3A (SPG3A). Also called: Spastic paraplegia 3A, autosomal dominant; SPASTIC PARAPLEGIA 3, AUTOSOMAL DOMINANT; FAMILIAL SPASTIC PARAPLEGIA, AUTOSOMAL DOMINANT, 1; SPG3; STRUMPELL DISEASE; Spastic Paraplegia 3A. Identifiers: Orphanet 100984, MedGen C2931355, MONDO:0008437, OMIM 182600.

Submission:

Labcorp Genetics (formerly Invitae), Labcorp
Classification: Pathogenic for Hereditary spastic paraplegia 3A. Last evaluated: 2021-01-13. Review status: criteria provided, single submitter. Criteria: Invitae Variant Classification Sherloc (09022015). Collection method: clinical testing. Allele origin: germline.
Comment: For these reasons, this variant has been classified as Pathogenic. Advanced modeling of protein sequence and biophysical properties (such as structural, functional, and spatial information, amino acid conservation, physicochemical variation, residue mobility, and thermodynamic stability) performed at Invitae indicates that this missense variant is expected to disrupt ATL1 protein function. This variant has been observed in individual(s) with autosomal dominant hereditary spastic paraplegia (PMID: 17531128). It has also been observed to segregate with disease in related individuals. This variant is not present in population databases (ExAC no frequency). This sequence change replaces histidine with aspartic acid at codon 189 of the ATL1 protein (p.His189Asp). The histidine residue is highly conserved and there is a moderate physicochemical difference between histidine and aspartic acid.

Literature cited by the submitters: PubMed 17531128.